The following is an entry in ClinVar:

NM_001366385.1(CARD14):c.758C>T (p.Thr253Ile)

Gene: CARD14 (caspase recruitment domain family member 14; plus strand). Cytogenetic location: 17q25.3.
Variant type: single nucleotide variant.
Coding change: c.758C>T on transcript NM_001366385.1 (MANE Select); coding-DNA position 758, C replaced by T.
Protein change: p.Thr253Ile; replaces threonine 253 with isoleucine.
Molecular consequence: missense variant. On other transcripts: non-coding transcript variant (1).
Genome position (GRCh38, 1-based): chr17:80,188,459, C>T. VCF-style: chr17-80188459-C-T. GRCh37 (hg19) VCF-style: chr17-78162258-C-T.
Other names: c.758C>T, p.Thr253Ile (NM_024110.4, NM_001257970.1); c.47C>T, p.Thr16Ile (NM_052819.3); c.758C>T (NM_024110.3); short protein forms T16I, T253I.
Identifiers: ClinVar variation 1694245 (VCV001694245.9), dbSNP rs780324929, ClinGen allele CA401341294.

ClinVar aggregate classification (germline): Uncertain significance. Review status: criteria provided, multiple submitters, no conflicts (2 of 4 stars). 3 submissions from 3 submitters: Uncertain significance (3). Last evaluated 2025-04-08.

Conditions:
Autoinflammatory syndrome. Identifiers: Orphanet 93665, MedGen C3890737, MONDO:0019751.
Inborn genetic diseases. Identifiers: MedGen C0950123, MeSH D030342.
Psoriasis 2. Identifiers: MedGen C1864497, MONDO:0011269, OMIM 602723.
Pityriasis rubra pilaris (PRP). Also called: Pityriasis rubra pilaris--familial type. Identifiers: Orphanet 2897, MedGen C0032027, MONDO:0100017, OMIM 173200, MONDO:0008251.

Allele frequency attached by ClinVar (database versions not stated): gnomAD 0.00001; TOPMed 0.00002.
gnomAD v4.1: 8 of 1,603,092 alleles (0.0005%); highest among the groups gnomAD compares: East Asian, 0.011%; no homozygotes.

Submissions (3):

Ambry Genetics
Classification: Uncertain significance for Inborn genetic diseases. Last evaluated: 2025-04-08. Review status: criteria provided, single submitter. Criteria: Ambry Variant Classification Scheme 2023. Collection method: clinical testing. Allele origin: germline.

Labcorp Genetics (formerly Invitae), Labcorp
Classification: Uncertain significance for Pityriasis rubra pilaris; Psoriasis 2. Last evaluated: 2023-09-01. Review status: criteria provided, single submitter. Criteria: Invitae Variant Classification Sherloc (09022015). Collection method: clinical testing. Allele origin: germline.
Comment: In summary, the available evidence is currently insufficient to determine the role of this variant in disease. Therefore, it has been classified as a Variant of Uncertain Significance. Advanced modeling of protein sequence and biophysical properties (such as structural, functional, and spatial information, amino acid conservation, physicochemical variation, residue mobility, and thermodynamic stability) performed at Invitae indicates that this missense variant is not expected to disrupt CARD14 protein function. ClinVar contains an entry for this variant (Variation ID: 1694245). This variant has not been reported in the literature in individuals affected with CARD14-related conditions. This variant is present in population databases (no rsID available, gnomAD 0.02%). This sequence change replaces threonine, which is neutral and polar, with isoleucine, which is neutral and non-polar, at codon 253 of the CARD14 protein (p.Thr253Ile).

Genome Diagnostics Laboratory, The Hospital for Sick Children
Classification: Uncertain significance for Autoinflammatory syndrome. Last evaluated: 2019-07-01. Review status: criteria provided, single submitter. Criteria: ACMG Guidelines, 2015. Collection method: clinical testing. Allele origin: germline. Affected: yes.